The following is an entry in ClinVar:

ClinVar aggregate classification (germline): Pathogenic (1 of 4 stars; one submission).

Conditions:
Hereditary cancer-predisposing syndrome. Also called: Neoplastic Syndromes, Hereditary; Tumor predisposition; Hereditary neoplastic syndrome; Hereditary Cancer Syndrome. Identifiers: Orphanet 140162, MedGen C0027672, MeSH D009386, MONDO:0015356.

Submission:

Ambry Genetics
Classification: Pathogenic for Hereditary cancer-predisposing syndrome. Last evaluated: 2022-12-28. Review status: criteria provided, single submitter. Criteria: Ambry Variant Classification Scheme 2023. Collection method: clinical testing. Allele origin: germline.
Comment: The c.8175delG pathogenic mutation, located in coding exon 17 of the BRCA2 gene, results from a deletion of one nucleotide at nucleotide position 8175, causing a translational frameshift with a predicted alternate stop codon (p.W2725Cfs*8). This alteration was identified in 2 of 66 African American women undergoing genetic testing based on a personal and/or family history of breast, ovarian, and/or other gynecologic cancer (Barrington DA et al. Gynecol Oncol, 2018 May;149:337-340). This variant was also observed in an individual with early onset-breast cancer amongst a cohort of 1781 non-Ashkenazi Jewish individuals undergoing BRCA1/2 gene testing based on a personal history of breast cancer (Tung N et al. Cancer, 2015 Jan;121:25-33). Of note, this alteration is also known as 8403delG in published literature. This variant is considered to be rare based on population cohorts in the Genome Aggregation Database (gnomAD). In addition to the clinical data presented in the literature, this alteration is expected to result in loss of function by premature protein truncation or nonsense-mediated mRNA decay. As such, this alteration is interpreted as a disease-causing mutation.

Literature cited by the submitters: PubMed 25186627; PubMed 29486991.

NM_000059.4(BRCA2):c.8175del (p.Trp2725fs)

Gene: BRCA2 (BRCA2 DNA repair associated; plus strand). Cytogenetic location: 13q13.1.
Variant type: Deletion.
Coding change: c.8175del on transcript NM_000059.4 (MANE Select); coding-DNA position 8175, one base deleted (G; older notation c.8175delG).
Protein change: p.Trp2725fs; shifts the reading frame from tryptophan 2725.
Molecular consequence: frameshift variant.
Genome position (GRCh38, 1-based): chr13:32,363,377, G deleted; the last of 2 consecutive G bases (chr13:32,363,376-32,363,377); deleting either gives the same sequence. VCF-style (leftmost placement, unchanged base first): chr13-32363375-TG-T. GRCh37 (hg19) VCF-style: chr13-32937512-TG-T.
Other names: c.8175delG (NM_000059.3); short protein forms W2725fs.
Identifiers: ClinVar variation 3229162 (VCV003229162.1), dbSNP rs2548546640, ClinGen allele CA2499222321.